The following is an entry in ClinVar:

NM_001382567.1(STIM1):c.1745T>C (p.Met582Thr)

Gene: STIM1 (stromal interaction molecule 1; plus strand). Cytogenetic location: 11p15.4.
Variant type: single nucleotide variant.
Coding change: c.1745T>C on transcript NM_001382567.1 (MANE Select); coding-DNA position 1745, T replaced by C.
Protein change: p.Met582Thr; replaces methionine 582 with threonine.
Molecular consequence: missense variant. On other transcripts: 3 prime UTR variant (4), non-coding transcript variant (3).
Genome position (GRCh38, 1-based): chr11:4,091,392, T>C. VCF-style: chr11-4091392-T-C. GRCh37 (hg19) VCF-style: chr11-4112622-T-C.
Other names: c.1970T>C, p.Met657Thr (NM_001277961.3); c.*66T>C (NM_001277962.2, NM_001382578.1, NM_001382579.1 and 1 more transcripts); c.1748T>C, p.Met583Thr (NM_001382566.1); c.1673T>C, p.Met558Thr (NM_001382568.1); c.1517T>C, p.Met506Thr (NM_001382569.1); c.1424T>C, p.Met475Thr (NM_001382570.1); c.1172T>C, p.Met391Thr (NM_001382571.1); c.1430T>C, p.Met477Thr (NM_001382575.1, NM_001382576.1, NM_001382577.1); and 2 more; short protein forms M475T, M558T, M657T, M391T, M388T, M551T, M582T, M477T.
Identifiers: ClinVar variation 2934344 (VCV002934344.3), dbSNP rs1242032425, ClinGen allele CA379196831.

ClinVar aggregate classification (germline): Uncertain significance (1 of 4 stars; one submission).

Conditions:
Stormorken syndrome (STRMK). Also called: THROMBOCYTOPATHY, ASPLENIA, AND MIOSIS. Identifiers: Orphanet 3204, MedGen C1861451, MONDO:0008497, OMIM 185070.
Combined immunodeficiency due to STIM1 deficiency. Also called: STIM1 DEFICIENCY; IMMUNODEFICIENCY 10. Identifiers: Orphanet 169090, Orphanet 317430, MedGen C2748557, MONDO:0013008, OMIM 612783.
Myopathy with tubular aggregates (TAM). Also called: Tubular Aggregate Myopathy. Identifiers: Orphanet 2593, MedGen C0410207, MONDO:0008051.

Allele frequency attached by ClinVar (database versions not stated): gnomAD exomes below 0.00001.
gnomAD v4.1: 8 of 1,614,186 alleles (0.0005%); highest among the groups gnomAD compares: Admixed American, 0.0017%; no homozygotes.

Submission:

Labcorp Genetics (formerly Invitae), Labcorp
Classification: Uncertain significance for Myopathy with tubular aggregates; Combined immunodeficiency due to STIM1 deficiency; Stormorken syndrome. Last evaluated: 2024-10-22. Review status: criteria provided, single submitter. Criteria: Invitae Variant Classification Sherloc (09022015). Collection method: clinical testing. Allele origin: germline.
Comment: This sequence change replaces methionine, which is neutral and non-polar, with threonine, which is neutral and polar, at codon 551 of the STIM1 protein (p.Met551Thr). This variant is present in population databases (no rsID available, gnomAD 0.003%). This variant has not been reported in the literature in individuals affected with STIM1-related conditions. Invitae Evidence Modeling of protein sequence and biophysical properties (such as structural, functional, and spatial information, amino acid conservation, physicochemical variation, residue mobility, and thermodynamic stability) has been performed for this missense variant. However, the output from this modeling did not meet the statistical confidence thresholds required to predict the impact of this variant on STIM1 protein function. In summary, the available evidence is currently insufficient to determine the role of this variant in disease. Therefore, it has been classified as a Variant of Uncertain Significance.